The following is an entry in ClinVar:

ClinVar aggregate classification (germline): Uncertain significance (1 of 4 stars; one submission).

Conditions:
Tuberous sclerosis 2 (TSC2). Identifiers: Orphanet 805, MedGen C1860707, MONDO:0013199, OMIM 613254.

Submission:

Labcorp Genetics (formerly Invitae), Labcorp
Classification: Uncertain significance for Tuberous sclerosis 2. Last evaluated: 2020-03-06. Review status: criteria provided, single submitter. Criteria: Invitae Variant Classification Sherloc (09022015). Collection method: clinical testing. Allele origin: germline.
Comment: This sequence change replaces proline with histidine at codon 662 of the TSC2 protein (p.Pro662His). The proline residue is moderately conserved and there is a moderate physicochemical difference between proline and histidine. In summary, the available evidence is currently insufficient to determine the role of this variant in disease. Therefore, it has been classified as a Variant of Uncertain Significance. Algorithms developed to predict the effect of missense changes on protein structure and function are either unavailable or do not agree on the potential impact of this missense change (SIFT: "Deleterious"; PolyPhen-2: "Possibly Damaging"; Align-GVGD: "Class C0"). This variant has not been reported in the literature in individuals with TSC2-related conditions. This variant is not present in population databases (ExAC no frequency).

NM_000548.5(TSC2):c.1985C>A (p.Pro662His)

Gene: TSC2 (TSC complex subunit 2; plus strand). Cytogenetic location: 16p13.3.
Variant type: single nucleotide variant.
Coding change: c.1985C>A on transcript NM_000548.5 (MANE Select); coding-DNA position 1985, C replaced by A.
Protein change: p.Pro662His; replaces proline 662 with histidine.
Molecular consequence: missense variant.
Genome position (GRCh38, 1-based): chr16:2,071,822, C>A. VCF-style: chr16-2071822-C-A. GRCh37 (hg19) VCF-style: chr16-2121823-C-A.
Other names: c.1985C>A, p.Pro662His (NM_001077183.3, NM_001114382.3, NM_001363528.2 and 3 more transcripts); c.1874C>A, p.Pro625His (NM_001318827.2); c.1838C>A, p.Pro613His (NM_001318829.2); c.1385C>A, p.Pro462His (NM_001318831.2); c.2018C>A, p.Pro673His (NM_001318832.2); short protein forms P462H, P613H, P625H, P662H, P673H.
Identifiers: ClinVar variation 1001562 (VCV001001562.8), dbSNP rs2088455520, ClinGen allele CA394274388.